The following is an entry in ClinVar:

NM_000051.4(ATM):c.8105T>G (p.Ile2702Arg)

Genes: ATM (ATM serine/threonine kinase; plus strand), C11orf65 (chromosome 11 open reading frame 65; minus strand). Cytogenetic location: 11q22.3.
Variant type: single nucleotide variant.
Coding change: c.8105T>G on transcript NM_000051.4 (MANE Select); coding-DNA position 8105, T replaced by G.
Protein change: p.Ile2702Arg; replaces isoleucine 2702 with arginine.
Molecular consequence: missense variant. On other transcripts: intron variant (2).
Genome position (GRCh38, 1-based): chr11:108,335,063, T>G. VCF-style: chr11-108335063-T-G. GRCh37 (hg19) VCF-style: chr11-108205790-T-G.
Other names: NM_000051.4(ATM):c.8105T>G; c.8105T>G, p.Ile2702Arg (NM_001351834.2); c.641-25992A>C (NM_001330368.2); c.*38+157A>C (NM_001351110.2); short protein forms I2702R.
Identifiers: ClinVar variation 232389 (VCV000232389.29), dbSNP rs876659735, ClinGen allele CA10579282.

ClinVar aggregate classification (germline): Likely pathogenic. Review status: reviewed by expert panel (3 of 4 stars). 7 submissions from 7 submitters: Likely pathogenic (1). 6 of the submissions do not count toward it. Last evaluated 2026-06-19.

Conditions:
Hereditary cancer-predisposing syndrome. Also called: Neoplastic Syndromes, Hereditary; Hereditary neoplastic syndrome; Tumor predisposition; Hereditary Cancer Syndrome. Identifiers: Orphanet 140162, MedGen C0027672, MeSH D009386, MONDO:0015356.
ATM-related cancer predisposition. Also called: ATM-related cancer susceptibility. Identifiers: MedGen CN377759, MONDO:0700270.
Ataxia-telangiectasia syndrome (AT). Also called: Ataxia telangiectasia (A-T); Cerebello-oculocutaneous telangiectasia; Immunodeficiency with ataxia telangiectasia; LOUIS-BAR SYNDROME; AT, COMPLEMENTATION GROUP C; ATAXIA-TELANGIECTASIA, FRESNO VARIANT. Identifiers: Orphanet 100, MedGen C0004135, MONDO:0008840, OMIM 208900.
Familial cancer of breast. Also called: hereditary breast carcinoma; Hereditary breast cancer; BREAST CANCER, FAMILIAL. Identifiers: Orphanet 227535, MedGen C0346153, MONDO:0016419, OMIM 114480. Disease mechanism: loss of function.

Allele frequency attached by ClinVar (database versions not stated): gnomAD 0.00001; TOPMed below 0.00001.
gnomAD v4.1: 1 of 1,613,936 alleles (0.000062%); highest among the groups gnomAD compares: Admixed American, 0.0017%; no homozygotes.

Submissions (7):

ClinGen Hereditary Breast, Ovarian and Pancreatic Cancer Variant Curation Expert Panel, ClinGen
Classification: Likely pathogenic for ATM-related cancer predisposition. Last evaluated: 2026-06-19. Review status: reviewed by expert panel. Criteria: ClinGen HBOP ACMG Specifications ATM V1.5.0. Collection method: curation. Allele origin: germline. Inheritance: Autosomal dominant inheritance.
Comment: The c.8105T>G variant in ATM is a missense variant predicted to cause substitution of isoleucine by arginine at amino acid 2702 (p.Ile2702Arg). This variant has been detected in individual(s) with Ataxia-Telangiectasia (PMID: 12072877). The highest population minor allele frequency in gnomAD v4.1.0 is 0.00001667 (1/59,994 alleles) in the Admixed American population; while this is higher than the HBOP VCEP threshold (≤0.00001) for PM2_Supporting, it is present in only one allele, meeting this criterion. The computational predictor REVEL gives a score of 0.959, which is above the threshold of 0.7333, evidence that correlates with impact to ATM function. In summary, this variant meets the criteria to be classified as likely pathogenic for autosomal dominant ATM-related cancer predisposition and autosomal recessive Ataxia-Telangiectasia based on the ACMG/AMP criteria applied as specified by the HBOP VCEP. (PM3_Strong, PM2_Supporting, PP3)

St. Jude Molecular Pathology, St. Jude Children's Research Hospital
Classification: Likely pathogenic for Ataxia-telangiectasia syndrome. Last evaluated: 2026-10-01. Review status: criteria provided, single submitter. Criteria: St. Jude Assertion Criteria 2020. Collection method: clinical testing. Allele origin: germline. Not counted in ClinVar's aggregate classification.
Comment: The ATM c.8105T>G p.(Ile2702Arg) missense change is absent in gnomAD v2.1.1. T he in silico tool REVEL predicts a deleterious effect on protein function and functional studies have shown that this missense change disrupts ATM protein function (PMID: 12072877, 40580951). This variant has been reported in conjunction with another pat hogenic variant in ATM in an individual with ataxia telangiectasia (PMID: 40580951). In summary, this variant meets criteria to be classified as likely pathogenic.

Myriad Genetics, Inc.
Classification: Likely pathogenic for Familial cancer of breast. Last evaluated: 2026-06-01. Review status: criteria provided, single submitter. Criteria: Myriad Autosomal Dominant, Autosomal Recessive and X-Linked Classification Criteria (2023). Collection method: clinical testing. Allele origin: unknown. Not counted in ClinVar's aggregate classification.
Comment: This variant is considered likely pathogenic. This variant has been reported in an individual with clinical features of gene-specific disease [PMID: 12815592]. Functional studies indicate this variant impacts protein function [PMID: 12072877, 40105422]. This variant is expected to disrupt protein structure [Myriad internal data].

Labcorp Genetics (formerly Invitae), Labcorp
Classification: Pathogenic for Ataxia-telangiectasia syndrome. Last evaluated: 2025-12-17. Review status: criteria provided, single submitter. Criteria: Invitae Variant Classification Sherloc (09022015). Collection method: clinical testing. Allele origin: germline. Not counted in ClinVar's aggregate classification.
Comment: This sequence change replaces isoleucine, which is neutral and non-polar, with arginine, which is basic and polar, at codon 2702 of the ATM protein (p.Ile2702Arg). This variant is not present in population databases (gnomAD no frequency). This missense change has been observed in individual(s) with ataxia-telangiectasia (PMID: 12815592). In at least one individual the data is consistent with being in trans (on the opposite chromosome) from a pathogenic variant. ClinVar contains an entry for this variant (Variation ID: 232389). Invitae Evidence Modeling of protein sequence and biophysical properties (such as structural, functional, and spatial information, amino acid conservation, physicochemical variation, residue mobility, and thermodynamic stability) indicates that this missense variant is expected to disrupt ATM protein function with a positive predictive value of 95%. This variant disrupts the p.Ile2702 amino acid residue in ATM. Other variant(s) that disrupt this residue have been determined to be pathogenic (PMID: 21665257; internal data). This suggests that this residue is clinically significant, and that variants that disrupt this residue are likely to be disease-causing. For these reasons, this variant has been classified as Pathogenic.

Ambry Genetics
Classification: Likely pathogenic for Hereditary cancer-predisposing syndrome. Last evaluated: 2025-12-03. Review status: criteria provided, single submitter. Criteria: Ambry Variant Classification Scheme 2023. Collection method: clinical testing. Allele origin: germline. Not counted in ClinVar's aggregate classification.
Comment: The p.I2702R variant (also known as c.8105T>G), located in coding exon 54 of the ATM gene, results from a T to G substitution at nucleotide position 8105. The isoleucine at codon 2702 is replaced by arginine, an amino acid with similar properties. This alteration has been detected in an individual diagnosed with ataxia telangiectasia (A-T) in conjunction with an additional ATM pathogenic mutation, and p.I2702R has been associated with absent ATM protein and/or absent p53 kinase activity (Sun X et al. J Pediatr, 2002 Jun;140:724-31; Becker-Catania SG et al. Mol. Genet. Metab. 2000 Jun; 70(2):122-33; Mitui M et al, Hum. Mutat. 2003 Jul; 22(1):43-50). In an assay testing ATM function, this variant showed a functionally abnormal result (Lee KS et al. Cell, 2025 Sep;188:5081-5099.e27). This variant is considered to be rare based on population cohorts in the Genome Aggregation Database (gnomAD). This amino acid position is highly conserved in available vertebrate species. In addition, this alteration is predicted to be deleterious by in silico analysis. Based on the majority of available evidence to date, this variant is likely to be pathogenic.

Quest Diagnostics Nichols Institute San Juan Capistrano
Classification: Likely pathogenic. Last evaluated: 2025-11-07. Review status: criteria provided, single submitter. Criteria: Quest Diagnostics criteria. Collection method: clinical testing. Allele origin: unknown. Not counted in ClinVar's aggregate classification.
Comment: The ATM c.8105T>G (p.Ile2702Arg) variant has been reported in the published literature in individuals with ataxia-telangiectasia in which another pathogenic ATM variant, c.103C>T (p.Arg35*), was found on the opposite chromosome (PMIDs: 12815592 (2003), 12673797 (2003), 12072877 (2002)). Experimental studies indicate this variant has deleterious effects on ATM protein expression and function (PMIDs: 12072877 (2022), 10873394 (2000)). The frequency of this variant in the general population (Genome Aggregation Database) is consistent with pathogenicity. Analysis of this variant using bioinformatics tools for the prediction of the effect of amino acid changes on protein structure and function yielded predictions that this variant is damaging. Based on the available information, this variant is classified as likely pathogenic.

Natera, Inc.
Classification: Uncertain significance for Ataxia-telangiectasia. Last evaluated: 2020-08-26. Review status: no assertion criteria provided. Collection method: clinical testing. Allele origin: germline. Not counted in ClinVar's aggregate classification.

Literature cited by the submitters: PubMed 12815592 (cited by 3 submitters); PubMed 12072877 (cited by Myriad Genetics, Inc. and Ambry Genetics); PubMed 40105422 (cited by Myriad Genetics, Inc.); PubMed 21665257 (cited by Labcorp Genetics (formerly Invitae), Labcorp); PubMed 10873394 (cited by Ambry Genetics); PubMed 12673797 (cited by Ambry Genetics); PubMed 40580951 (cited by Ambry Genetics).